The following is an entry in ClinVar:

NM_015450.3(POT1):c.123T>C (p.Thr41=)

Gene: POT1 (protection of telomeres 1; minus strand). Cytogenetic location: 7q31.33.
Variant type: single nucleotide variant.
Coding change: c.123T>C on transcript NM_015450.3 (MANE Select); coding-DNA position 123, T replaced by C.
Protein change: p.Thr41=; no amino-acid change (threonine 41 retained).
Molecular consequence: synonymous variant. On other transcripts: 5 prime UTR variant (1), non-coding transcript variant (3).
Genome position (GRCh38, 1-based): chr7:124,892,267, A>G on the plus strand (T>C on the coding strand, the complement: POT1 is on the minus strand). VCF-style: chr7-124892267-A-G. GRCh37 (hg19) VCF-style: chr7-124532321-A-G.
Other names: c.-140T>C (NM_001042594.2).
Identifiers: ClinVar variation 852442 (VCV000852442.10), dbSNP rs1796390224, ClinGen allele CA457470230.

ClinVar aggregate classification (germline): Uncertain significance (1 of 4 stars; one submission).

Conditions:
Tumor predisposition syndrome 3 (TPDS3). Also called: Melanoma, cutaneous malignant, susceptibility to, 10; Glioma susceptibility 9; LONG TELOMERE SYNDROME, POT1-RELATED; POT1 Tumor Predisposition. Identifiers: Orphanet 618, MedGen C4014476, MONDO:0014368, OMIM 615848.

Submission:

Labcorp Genetics (formerly Invitae), Labcorp
Classification: Uncertain significance for Tumor predisposition syndrome 3. Last evaluated: 2022-10-24. Review status: criteria provided, single submitter. Criteria: Invitae Variant Classification Sherloc (09022015). Collection method: clinical testing. Allele origin: germline.
Comment: In summary, the available evidence is currently insufficient to determine the role of this variant in disease. Therefore, it has been classified as a Variant of Uncertain Significance. Algorithms developed to predict the effect of sequence changes on RNA splicing suggest that this variant is not likely to affect RNA splicing. ClinVar contains an entry for this variant (Variation ID: 852442). This variant has not been reported in the literature in individuals affected with POT1-related conditions. This variant is not present in population databases (gnomAD no frequency). This sequence change affects codon 41 of the POT1 mRNA. It is a 'silent' change, meaning that it does not change the encoded amino acid sequence of the POT1 protein. It affects a nucleotide within the consensus splice site.